The following is an entry in ClinVar:

ClinVar aggregate classification (germline): Conflicting classifications of pathogenicity. Review status: criteria provided, conflicting classifications (1 of 4 stars). 3 submissions from 3 submitters: Uncertain significance (2); Likely benign (1). Last evaluated 2025-05-22.

Conditions:
Osteogenesis imperfecta type I (OI1). Also called: OI, TYPE I; OSTEOGENESIS IMPERFECTA TARDA; OSTEOGENESIS IMPERFECTA WITH BLUE SCLERAE; Osteogenesis imperfecta type 1; Classic Non-deforming Osteogenesis Imperfecta with Blue Sclerae; Lobstein's Disease. Identifiers: Orphanet 216796, Orphanet 666, MedGen C0023931, MONDO:0008146, OMIM 166200. Disease mechanism: loss of function.

Allele frequency attached by ClinVar (database versions not stated): gnomAD 0.00002; gnomAD exomes 0.00003; TOPMed 0.00003.

Submissions (3):

Labcorp Genetics (formerly Invitae), Labcorp
Classification: Likely benign for Osteogenesis imperfecta type I. Last evaluated: 2025-05-22. Review status: criteria provided, single submitter. Criteria: Invitae Variant Classification Sherloc (09022015). Collection method: clinical testing. Allele origin: germline.

GeneDx
Classification: Uncertain significance. Last evaluated: 2025-03-27. Review status: criteria provided, single submitter. Criteria: GeneDx Variant Classification Process June 2021. Collection method: clinical testing. Allele origin: germline. Affected: yes.
Comment: In silico analysis supports that this missense variant has a deleterious effect on protein structure/function; Has not been previously published as pathogenic or benign to our knowledge

CeGaT Center for Human Genetics Tuebingen
Classification: Uncertain significance. Last evaluated: 2025-02-01. Review status: criteria provided, single submitter. Criteria: CeGaT Center For Human Genetics Tuebingen Variant Classification Criteria Version 2. Collection method: clinical testing. Allele origin: germline. Affected: yes. Observed: 1 variant allele.

NM_000088.4(COL1A1):c.2729G>A (p.Arg910His)

Gene: COL1A1 (collagen type I alpha 1 chain; minus strand). Cytogenetic location: 17q21.33.
Variant type: single nucleotide variant.
Coding change: c.2729G>A on transcript NM_000088.4 (MANE Select); coding-DNA position 2729, G replaced by A.
Protein change: p.Arg910His; replaces arginine 910 with histidine.
Molecular consequence: missense variant.
Genome position (GRCh38, 1-based): chr17:50,189,477, C>T on the plus strand (G>A on the coding strand, the complement: COL1A1 is on the minus strand). VCF-style: chr17-50189477-C-T. GRCh37 (hg19) VCF-style: chr17-48266838-C-T.
Other names: short protein forms R910H.
Identifiers: ClinVar variation 2919356 (VCV002919356.18), dbSNP rs1014402681, ClinGen allele CA16040315.
Genomic context (GRCh38, chr17:50,189,477, plus strand): 5'-GGGCCAGGGGGACCAGGGGGACCAACTTCACCAGGACGTCCAGCAGGGCCAGTCTCACCA[C>T]GGGGACCTTTGCCGCCTTCTTTGCCAGCAGGACCAGGAGGGCCAGGGGGTCCAGCATTTC-3'
Protein context (NP_000079.2, residues 900-920): PAGKEGGKGP[Arg910His]GETGPAGRPG